The following is an entry in ClinVar:

NM_032861.4(SERAC1):c.863A>C (p.His288Pro)

Gene: SERAC1 (serine active site containing 1; minus strand). Cytogenetic location: 6q25.3.
Variant type: single nucleotide variant.
Coding change: c.863A>C on transcript NM_032861.4 (MANE Select); coding-DNA position 863, A replaced by C.
Protein change: p.His288Pro; replaces histidine 288 with proline.
Molecular consequence: missense variant. On other transcripts: non-coding transcript variant (1).
Genome position (GRCh38, 1-based): chr6:158,128,260, T>G on the plus strand (A>C on the coding strand, the complement: SERAC1 is on the minus strand). VCF-style: chr6-158128260-T-G. GRCh37 (hg19) VCF-style: chr6-158549292-T-G.
Other names: short protein forms H288P.
Identifiers: ClinVar variation 2098897 (VCV002098897.3), dbSNP rs1234686550, ClinGen allele CA366260320.

ClinVar aggregate classification (germline): Uncertain significance (1 of 4 stars; one submission).

Conditions:
3-methylglutaconic aciduria with deafness, encephalopathy, and Leigh-like syndrome (MEGDEL). Also called: MEGDEL syndrome; 3-METHYLGLUTACONIC ACIDURIA, TYPE VI; SERAC1 Deficiency. Identifiers: Orphanet 352328, MedGen C4040739, MONDO:0013875, OMIM 614739.

Allele frequency attached by ClinVar (database versions not stated): TOPMed below 0.00001; gnomAD 0.00001; gnomAD exomes 0.00001.
gnomAD v4.1: 4 of 1,613,546 alleles (0.00025%); highest among the groups gnomAD compares: Non-Finnish European, 0.00034%; no homozygotes.

Submission:

Labcorp Genetics (formerly Invitae), Labcorp
Classification: Uncertain significance for 3-methylglutaconic aciduria with deafness, encephalopathy, and Leigh-like syndrome. Last evaluated: 2023-10-03. Review status: criteria provided, single submitter. Criteria: Invitae Variant Classification Sherloc (09022015). Collection method: clinical testing. Allele origin: germline.
Comment: This sequence change replaces histidine, which is basic and polar, with proline, which is neutral and non-polar, at codon 288 of the SERAC1 protein (p.His288Pro). This variant is present in population databases (no rsID available, gnomAD 0.007%). This variant has not been reported in the literature in individuals affected with SERAC1-related conditions. ClinVar contains an entry for this variant (Variation ID: 2098897). Advanced modeling of protein sequence and biophysical properties (such as structural, functional, and spatial information, amino acid conservation, physicochemical variation, residue mobility, and thermodynamic stability) performed at Invitae indicates that this missense variant is expected to disrupt SERAC1 protein function. In summary, the available evidence is currently insufficient to determine the role of this variant in disease. Therefore, it has been classified as a Variant of Uncertain Significance.